The following is an entry in ClinVar:

ClinVar aggregate classification (germline): Likely benign (1 of 4 stars; one submission).

Allele frequency attached by ClinVar (database versions not stated): TOPMed 0.00091; gnomAD exomes 0.00099; ESP Exome Variant Server 0.00108; ExAC 0.00119; gnomAD 0.00119; 1000 Genomes Project 30x 0.00016; 1000 Genomes Project 0.00020.
gnomAD v4.1: 1,613 of 1,614,134 alleles (0.1%); highest among the groups gnomAD compares: Non-Finnish European, 0.11%; 5 homozygotes.

Submission:

CeGaT Center for Human Genetics Tuebingen
Classification: Likely benign. Last evaluated: 2022-06-01. Review status: criteria provided, single submitter. Criteria: CeGaT Center For Human Genetics Tuebingen Variant Classification Criteria Version 2. Collection method: clinical testing. Allele origin: germline. Affected: yes. Observed: 1 variant allele.
Comment: CDCA2: BP4, BP7

NM_152562.4(CDCA2):c.954C>T (p.Asp318=)

Genes: CDCA2 (cell division cycle associated 2; plus strand), LOC126860331 (CDK7 strongly-dependent group 2 enhancer GRCh37_chr8:25336688-25337887; plus strand). Cytogenetic location: 8p21.2.
Variant type: single nucleotide variant.
Coding change: c.954C>T on transcript NM_152562.4 (MANE Select); coding-DNA position 954, C replaced by T.
Protein change: p.Asp318=; no amino-acid change (aspartic acid 318 retained).
Molecular consequence: synonymous variant.
Genome position (GRCh38, 1-based): chr8:25,480,046, C>T. VCF-style: chr8-25480046-C-T. GRCh37 (hg19) VCF-style: chr8-25337562-C-T.
Other names: c.909C>T, p.Asp303= (NM_001317906.1); c.954C>T, p.Asp318= (NM_001317907.1).
Identifiers: ClinVar variation 2658494 (VCV002658494.24), dbSNP rs150751889, ClinGen allele CA4684352.
Genomic context (GRCh38, chr8:25,480,046, plus strand): 5'-AGTGAGCTCAGACGCAGTCCCTGATGTCAGGTCACCAGCTACTCCAGCCTGCAGGAGGGA[C>T]CTTCCCACCCCCAAGACCTTTGTACTTCGTTCTGTACTGAAGAAACCCTCTGTTAAGATG-3'
Protein context (NP_689775.2, residues 308-328): RSPATPACRR[Asp318=]LPTPKTFVLR